The following is an entry in ClinVar:

NC_000003.12:g.169764666C>A

Gene: TERC (telomerase RNA component; minus strand). Cytogenetic location: 3q26.2.
Variant type: single nucleotide variant.
Genome position: GRCh38 VCF-style: chr3-169764666-C-A. GRCh37 (hg19) VCF-style: chr3-169482454-C-A.
Identifiers: ClinVar variation 665301 (VCV000665301.8), dbSNP rs1415109076, ClinGen allele CA436714846.

ClinVar aggregate classification (germline): Uncertain significance (1 of 4 stars; one submission).

Conditions:
Dyskeratosis congenita, autosomal dominant 1 (DKCA1). Also called: Dyskeratosis congenita Scoggins type. Identifiers: Orphanet 1775, MedGen C4551974, MONDO:0007485, OMIM 127550. Inheritance: Variable.

Allele frequency attached by ClinVar (database versions not stated): TOPMed below 0.00001; gnomAD 0.00001.
gnomAD v4.1: 3 of 752,130 alleles (0.0004%); highest among the groups gnomAD compares: South Asian, 0.0014%; no homozygotes.

Submission:

Labcorp Genetics (formerly Invitae), Labcorp
Classification: Uncertain significance for Dyskeratosis congenita, autosomal dominant 1. Last evaluated: 2026-01-24. Review status: criteria provided, single submitter. Criteria: Invitae Variant Classification Sherloc (09022015). Collection method: clinical testing. Allele origin: germline.
Comment: This variant occurs in the TERC gene, which encodes an RNA molecule that does not result in a protein product. This variant is present in population databases (no rsID available, gnomAD 0.007%). This variant has not been reported in the literature in individuals affected with TERC-related conditions. ClinVar contains an entry for this variant (Variation ID: 665301). This variant is located within the BoxH/ACA scaRNA domain of the TERC RNA component, which is required for telomerase activity (PMID: 21844345). In summary, the available evidence is currently insufficient to determine the role of this variant in disease. Therefore, it has been classified as a Variant of Uncertain Significance.

Literature cited by the submitters: PubMed 21844345.